The following is an entry in ClinVar:

ClinVar aggregate classification (germline): Uncertain significance (1 of 4 stars; one submission).

Conditions:
Perlman syndrome (PRLMNS). Identifiers: Orphanet 2849, MedGen C0796113, MONDO:0009965, OMIM 267000.

Allele frequency attached by ClinVar (database versions not stated): gnomAD exomes below 0.00001.
gnomAD v4.1: 1 of 1,614,064 alleles (0.000062%); highest among the groups gnomAD compares: Non-Finnish European, 0.000085%; no homozygotes.

Submission:

Labcorp Genetics (formerly Invitae), Labcorp
Classification: Uncertain significance for Perlman syndrome. Last evaluated: 2021-11-15. Review status: criteria provided, single submitter. Criteria: Invitae Variant Classification Sherloc (09022015). Collection method: clinical testing. Allele origin: germline.
Comment: In summary, the available evidence is currently insufficient to determine the role of this variant in disease. Therefore, it has been classified as a Variant of Uncertain Significance. Algorithms developed to predict the effect of missense changes on protein structure and function (SIFT, PolyPhen-2, Align-GVGD) all suggest that this variant is likely to be tolerated. This variant has not been reported in the literature in individuals affected with DIS3L2-related conditions. This variant is not present in population databases (gnomAD no frequency). This sequence change replaces arginine, which is basic and polar, with glycine, which is neutral and non-polar, at codon 7 of the DIS3L2 protein (p.Arg7Gly).

NM_152383.5(DIS3L2):c.19A>G (p.Arg7Gly)

Gene: DIS3L2 (DIS3 like 3'-5' exoribonuclease 2; plus strand). Cytogenetic location: 2q37.1.
Variant type: single nucleotide variant.
Coding change: c.19A>G on transcript NM_152383.5 (MANE Select); coding-DNA position 19, A replaced by G.
Protein change: p.Arg7Gly; replaces arginine 7 with glycine.
Molecular consequence: missense variant. On other transcripts: non-coding transcript variant (2).
Genome position (GRCh38, 1-based): chr2:232,014,946, A>G. VCF-style: chr2-232014946-A-G. GRCh37 (hg19) VCF-style: chr2-232879656-A-G.
Other names: c.19A>G, p.Arg7Gly (NM_001257281.2, NM_001257282.2); short protein forms R7G.
Identifiers: ClinVar variation 1504029 (VCV001504029.6), dbSNP rs2106220724, ClinGen allele CA351151057.